The following is an entry in ClinVar:

ClinVar aggregate classification (germline): Uncertain significance (1 of 4 stars; one submission).

Submission:

GeneDx
Classification: Uncertain significance. Last evaluated: 2019-06-11. Review status: criteria provided, single submitter. Criteria: GeneDx Variant Classification Process June 2021. Collection method: clinical testing. Allele origin: germline. Affected: yes.
Comment: Not observed in large population cohorts (Lek et al., 2016); In silico analysis, which includes protein predictors and evolutionary conservation, supports a deleterious effect; Has not been previously published as pathogenic or benign to our knowledge

NM_001042492.3(NF1):c.3086T>G (p.Leu1029Arg)

Gene: NF1 (neurofibromin 1; plus strand). Cytogenetic location: 17q11.2.
Variant type: single nucleotide variant.
Coding change: c.3086T>G on transcript NM_001042492.3 (MANE Select); coding-DNA position 3086, T replaced by G.
Protein change: p.Leu1029Arg; replaces leucine 1029 with arginine.
Molecular consequence: missense variant.
Genome position (GRCh38, 1-based): chr17:31,230,355, T>G. VCF-style: chr17-31230355-T-G. GRCh37 (hg19) VCF-style: chr17-29557373-T-G.
Other names: c.3086T>G, p.Leu1029Arg (NM_000267.4); short protein forms L1029R.
Identifiers: ClinVar variation 1317062 (VCV001317062.2), dbSNP rs2067092609, ClinGen allele CA398987565.